The following is an entry in ClinVar:

NM_000404.4(GLB1):c.1074A>G (p.Glu358=)

Gene: GLB1 (galactosidase beta 1; minus strand). Cytogenetic location: 3p22.3.
Variant type: single nucleotide variant.
Coding change: c.1074A>G on transcript NM_000404.4 (MANE Select); coding-DNA position 1074, A replaced by G.
Protein change: p.Glu358=; no amino-acid change (glutamic acid 358 retained).
Molecular consequence: synonymous variant.
Genome position (GRCh38, 1-based): chr3:33,024,320, T>C on the plus strand (A>G on the coding strand, the complement: GLB1 is on the minus strand). VCF-style: chr3-33024320-T-C. GRCh37 (hg19) VCF-style: chr3-33065812-T-C.
Other names: c.984A>G, p.Glu328= (NM_001079811.3); c.681A>G, p.Glu227= (NM_001135602.3); c.1218A>G, p.Glu406= (NM_001317040.2).
Identifiers: ClinVar variation 1134116 (VCV001134116.31), dbSNP rs2125479142, ClinGen allele CA432954373.

ClinVar aggregate classification (germline): Likely benign. Review status: criteria provided, multiple submitters, no conflicts (2 of 4 stars). 2 submissions from 2 submitters: Likely benign (2). Last evaluated 2024-01-08.

Conditions:
Mucopolysaccharidosis, MPS-IV-B (MPS4B). Also called: Mucopolysaccharidosis type IV B; Mucopolysaccharidosis Type IVB; Mucopolysaccharidosis type 4B; MORQUIO SYNDROME B; Mucopolysaccharidosis type IVB (Morquio); MPS IVB. Identifiers: Orphanet 309310, Orphanet 582, MedGen C0086652, MONDO:0009660, OMIM 253010.
GM1 gangliosidosis. Identifiers: Orphanet 354, MedGen C0085131, MONDO:0018149.

Allele frequency attached by ClinVar (database versions not stated): gnomAD exomes 0.00001.
gnomAD v4.1: 8 of 1,603,154 alleles (0.0005%); highest among the groups gnomAD compares: Admixed American, 0.0017%; no homozygotes.

Submissions (2):

Labcorp Genetics (formerly Invitae), Labcorp
Classification: Likely benign for Mucopolysaccharidosis, MPS-IV-B; GM1 gangliosidosis. Last evaluated: 2024-01-08. Review status: criteria provided, single submitter. Criteria: Invitae Variant Classification Sherloc (09022015). Collection method: clinical testing. Allele origin: germline.

CeGaT Center for Human Genetics Tuebingen
Classification: Likely benign. Last evaluated: 2023-06-01. Review status: criteria provided, single submitter. Criteria: CeGaT Center For Human Genetics Tuebingen Variant Classification Criteria Version 2. Collection method: clinical testing. Allele origin: germline. Affected: yes. Observed: 1 variant allele.
Comment: GLB1: PM2:Supporting, BP4, BP7